The following is an entry in ClinVar:

NM_201253.3(CRB1):c.4061C>A (p.Ala1354Asp)

Gene: CRB1 (crumbs cell polarity complex component 1; plus strand). Cytogenetic location: 1q31.3.
Variant type: single nucleotide variant.
Coding change: c.4061C>A on transcript NM_201253.3 (MANE Select); coding-DNA position 4061, C replaced by A.
Protein change: p.Ala1354Asp; replaces alanine 1354 with aspartic acid.
Molecular consequence: missense variant. On other transcripts: non-coding transcript variant (2).
Genome position (GRCh38, 1-based): chr1:197,477,719, C>A. VCF-style: chr1-197477719-C-A. GRCh37 (hg19) VCF-style: chr1-197446849-C-A.
Other names: c.3725C>A, p.Ala1242Asp (NM_001193640.2); c.3989C>A, p.Ala1330Asp (NM_001257965.2); c.2453C>A, p.Ala818Asp (NM_001257966.2); short protein forms A1354D, A1330D, A818D, A1242D.
Identifiers: ClinVar variation 373569 (VCV000373569.12), dbSNP rs760100325, ClinGen allele CA1312549.

ClinVar aggregate classification (germline): Conflicting classifications of pathogenicity. Review status: criteria provided, conflicting classifications (1 of 4 stars). 4 submissions from 4 submitters: Pathogenic (1); Uncertain significance (2). 1 of the submissions does not count toward it. Last evaluated 2024-07-15.

Conditions:
Leber congenital amaurosis 8 (LCA8). Identifiers: Orphanet 65, MedGen C3151202, MONDO:0013453, OMIM 613835.
Retinitis pigmentosa 12 (RP12). Also called: RP WITH OR WITHOUT PRESERVED PARAARTERIOLE RETINAL PIGMENT EPITHELIUM; RETINITIS PIGMENTOSA WITH OR WITHOUT PARAARTERIOLAR PRESERVATION OF RETINAL PIGMENT EPITHELIUM; RP WITH OR WITHOUT PPRPE. Identifiers: Orphanet 791, MedGen C1838647, MONDO:0010818, OMIM 600105.
Leber congenital amaurosis (LCA). Also called: Leber's amaurosis. Identifiers: Orphanet 65, MedGen C0339527, MeSH D057130, MONDO:0018998.

Allele frequency attached by ClinVar (database versions not stated): gnomAD exomes below 0.00001; TOPMed 0.00001; ExAC 0.00002; gnomAD 0.00002.
gnomAD v4.1: 7 of 1,613,798 alleles (0.00043%); highest among the groups gnomAD compares: African/African-American, 0.0093%; no homozygotes.

Submissions (4):

Labcorp Genetics (formerly Invitae), Labcorp
Classification: Pathogenic for Leber congenital amaurosis 8; Retinitis pigmentosa 12. Last evaluated: 2024-07-15. Review status: criteria provided, single submitter. Criteria: Invitae Variant Classification Sherloc (09022015). Collection method: clinical testing. Allele origin: germline.
Comment: This sequence change replaces alanine, which is neutral and non-polar, with aspartic acid, which is acidic and polar, at codon 1354 of the CRB1 protein (p.Ala1354Asp). This variant is present in population databases (rs760100325, gnomAD 0.007%). This missense change has been observed in individuals with retinitis pigmentosa (Invitae). ClinVar contains an entry for this variant (Variation ID: 373569). Advanced modeling of protein sequence and biophysical properties (such as structural, functional, and spatial information, amino acid conservation, physicochemical variation, residue mobility, and thermodynamic stability) performed at Invitae indicates that this missense variant is expected to disrupt CRB1 protein function with a positive predictive value of 95%. For these reasons, this variant has been classified as Pathogenic.

Blueprint Genetics
Classification: Uncertain significance. Last evaluated: 2021-12-23. Review status: criteria provided, single submitter. Criteria: ACMG Guidelines, 2015. Collection method: clinical testing. Allele origin: germline.

GeneDx
Classification: Uncertain significance. Last evaluated: 2016-11-29. Review status: criteria provided, single submitter. Criteria: GeneDx Variant Classification (06012015). Collection method: clinical testing. Allele origin: germline. Affected: yes.
Comment: The A1354D variant in the CRB1 gene has not been reported previously as a pathogenic variant, nor as a benign variant, to our knowledge. However, a different missense variant at the same residue, A1354T, has been reported in one individual with retinitis pigmentosa and Coats-like exudative vasculopathy who also had an additional missense variant in cis and another missense variant in trans in the CRB1 gene (den Hollander et al., 2001). The A1354D variant was not observed in approximately 6500 individuals of European and African American ancestry in the NHLBI Exome Sequencing Project, indicating it is not a common benign variant in these populations. The A1354D variant is a non-conservative amino acid substitution, which is likely to impact secondary protein structure as these residues differ in polarity, charge, size and/or other properties. However, this substitution occurs at a position that is not conserved, and in silico analysis is inconsistent in its predictions as to whether or not the variant is damaging to the protein structure/function. We interpret A1354D as a variant of uncertain significance.

Natera, Inc.
Classification: Uncertain significance for Leber congenital amaurosis. Last evaluated: 2020-07-15. Review status: no assertion criteria provided. Collection method: clinical testing. Allele origin: germline. Not counted in ClinVar's aggregate classification.